The following is an entry in ClinVar:

NM_152383.5(DIS3L2):c.1125-2A>G

Gene: DIS3L2 (DIS3 like 3'-5' exoribonuclease 2; plus strand). Cytogenetic location: 2q37.1.
Variant type: single nucleotide variant.
Coding change: c.1125-2A>G on transcript NM_152383.5 (MANE Select); the canonical splice acceptor site of the intron before coding-DNA position 1125, A replaced by G.
Molecular consequence: splice acceptor variant.
Genome position (GRCh38, 1-based): chr2:232,210,324, A>G. VCF-style: chr2-232210324-A-G. GRCh37 (hg19) VCF-style: chr2-233075034-A-G.
Other names: c.1125-2A>G (NM_001257281.2).
Identifiers: ClinVar variation 1675182 (VCV001675182.2), dbSNP rs2106217873, ClinGen allele CA351153960.

ClinVar aggregate classification (germline): Likely pathogenic (1 of 4 stars; one submission).

Conditions:
Perlman syndrome (PRLMNS). Identifiers: Orphanet 2849, MedGen C0796113, MONDO:0009965, OMIM 267000.

Submission:

Centre of Medical Genetics, University Hospital Muenster
Classification: Likely pathogenic for Perlman syndrome. Last evaluated: 2020-04-19. Review status: criteria provided, single submitter. Criteria: ACMG Guidelines, 2015. Collection method: clinical testing. Allele origin: germline. Affected: yes. Observed: 1 variant allele, 1 heterozygote.
Comment: ACMG categories: PVS1,PM2